The following is an entry in ClinVar:

NM_025137.4(SPG11):c.4363T>A (p.Trp1455Arg)

Gene: SPG11 (SPG11 vesicle trafficking associated, spatacsin; minus strand). Cytogenetic location: 15q21.1.
Variant type: single nucleotide variant.
Coding change: c.4363T>A on transcript NM_025137.4 (MANE Select); coding-DNA position 4363, T replaced by A.
Protein change: p.Trp1455Arg; replaces tryptophan 1455 with arginine.
Molecular consequence: missense variant.
Genome position (GRCh38, 1-based): chr15:44,596,154, A>T on the plus strand (T>A on the coding strand, the complement: SPG11 is on the minus strand). VCF-style: chr15-44596154-A-T. GRCh37 (hg19) VCF-style: chr15-44888352-A-T.
Other names: c.4363T>A, p.Trp1455Arg (NM_001160227.2, NM_001411132.1); short protein forms W1455R.
Identifiers: ClinVar variation 1740036 (VCV001740036.2), dbSNP rs2505369424, ClinGen allele CA392227565.

ClinVar aggregate classification (germline): Uncertain significance (1 of 4 stars; one submission).

Conditions:
Inborn genetic diseases. Identifiers: MedGen C0950123, MeSH D030342.

Submission:

Ambry Genetics
Classification: Uncertain significance for Inborn genetic diseases. Last evaluated: 2021-07-15. Review status: criteria provided, single submitter. Criteria: Ambry Variant Classification Scheme 2023. Collection method: clinical testing. Allele origin: germline.
Comment: The p.W1455R variant (also known as c.4363T>A), located in coding exon 25 of the SPG11 gene, results from a T to A substitution at nucleotide position 4363. The tryptophan at codon 1455 is replaced by arginine, an amino acid with dissimilar properties. This amino acid position is conserved. In addition, this alteration is predicted to be deleterious by in silico analysis. Since supporting evidence is limited at this time, the clinical significance of this alteration remains unclear.